The following is an entry in ClinVar:

NM_001077365.2(POMT1):c.198G>A (p.Pro66=)

Gene: POMT1 (protein O-mannosyltransferase 1; plus strand). Cytogenetic location: 9q34.13.
Variant type: single nucleotide variant.
Coding change: c.198G>A on transcript NM_001077365.2 (MANE Select); coding-DNA position 198, G replaced by A.
Protein change: p.Pro66=; no amino-acid change (proline 66 retained).
Molecular consequence: synonymous variant. On other transcripts: non-coding transcript variant (7), intron variant (8).
Genome position (GRCh38, 1-based): chr9:131,506,189, G>A. VCF-style: chr9-131506189-G-A. GRCh37 (hg19) VCF-style: chr9-134381576-G-A.
Other names: c.36G>A, p.Pro12= (NM_001077366.2, NM_001353194.2, NM_001353197.2 and 3 more transcripts); c.198G>A, p.Pro66= (NM_001136113.2, NM_001353193.2, NM_001374690.1 and 1 more transcripts); c.-71-1179G>A (NM_001374691.1, NM_001374692.1); c.123-214G>A (NM_001353196.2); c.-122-214G>A (NM_001353195.2, NM_001353199.2, NM_001136114.2); c.-30+1849G>A (NM_001374695.1); c.-80-214G>A (NM_001353200.2).
Identifiers: ClinVar variation 705635 (VCV000705635.11), dbSNP rs369877185, ClinGen allele CA5293181.
Genomic context (GRCh38, chr9:131,506,189, plus strand): 5'-TTATGGGCAGTACATCTCTTTTTACATGAAACAAATCTTCTTCTTGGATGACAGTGGGCC[G>A]CCATTTGGCCACATGGTGCTGGCCTTGGGAGGTAGGAGTCATCAGGAGAGTAGCCCCTAC-3'
Protein context (NP_001070833.1, residues 56-76): KQIFFLDDSG[Pro66=]PFGHMVLALG

ClinVar aggregate classification (germline): Likely benign. Review status: criteria provided, single submitter (1 of 4 stars). 2 submissions from 2 submitters: Likely benign (1). 1 of the submissions does not count toward it. Last evaluated 2025-11-02.

Conditions:
POMT1-related disorder. Also called: POMT1-related condition; POMT1-related disorders.
Muscular dystrophy-dystroglycanopathy (congenital with impaired intellectual development), type B, 1. Also called: Muscular dystrophy-dystroglycanopathy (congenital with intellectual disability), type B1; MUSCULAR DYSTROPHY, CONGENITAL, POMT1-RELATED. Identifiers: MedGen C5436962, MONDO:0013159, OMIM 613155.
Autosomal recessive limb-girdle muscular dystrophy type 2K. Also called: MUSCULAR DYSTROPHY, LIMB-GIRDLE, TYPE 2K; MUSCULAR DYSTROPHY-DYSTROGLYCANOPATHY (LIMB-GIRDLE), TYPE C, 1. Identifiers: Orphanet 86812, MedGen C1836373, MONDO:0012248, OMIM 609308.
Walker-Warburg congenital muscular dystrophy. Also called: Muscular dystrophy-dystroglycanopathy, type A; Walker-Warburg syndrome. Identifiers: Orphanet 899, MedGen C0265221, MONDO:0000171.

Allele frequency attached by ClinVar (database versions not stated): gnomAD exomes 0.00003 and 0.00004; ExAC 0.00003; gnomAD 0.00005; ESP Exome Variant Server 0.00008; TOPMed 0.00005.
gnomAD v4.1: 57 of 1,613,994 alleles (0.0035%); highest among the groups gnomAD compares: African/African-American, 0.004%; no homozygotes.

Submissions (2):

Labcorp Genetics (formerly Invitae), Labcorp
Classification: Likely benign for Muscular dystrophy-dystroglycanopathy (congenital with impaired intellectual development), type B, 1; Walker-Warburg congenital muscular dystrophy; Autosomal recessive limb-girdle muscular dystrophy type 2K. Last evaluated: 2025-11-02. Review status: criteria provided, single submitter. Criteria: Invitae Variant Classification Sherloc (09022015). Collection method: clinical testing. Allele origin: germline.

PreventionGenetics, part of Exact Sciences
Classification: Likely benign for POMT1-related condition. Last evaluated: 2020-07-28. Review status: no assertion criteria provided. Collection method: clinical testing. Allele origin: germline. Not counted in ClinVar's aggregate classification.
Comment: This variant is classified as likely benign based on ACMG/AMP sequence variant interpretation guidelines (Richards et al. 2015 PMID: 25741868, with internal and published modifications).